The following is an entry in ClinVar:

NM_001375524.1(TRRAP):c.10914G>A (p.Ala3638=)

Gene: TRRAP (transformation/transcription domain associated protein; plus strand). Cytogenetic location: 7q22.1.
Variant type: single nucleotide variant.
Coding change: c.10914G>A on transcript NM_001375524.1 (MANE Select); coding-DNA position 10914, G replaced by A.
Protein change: p.Ala3638=; no amino-acid change (alanine 3638 retained).
Molecular consequence: synonymous variant.
Genome position (GRCh38, 1-based): chr7:99,008,537, G>A. VCF-style: chr7-99008537-G-A. GRCh37 (hg19) VCF-style: chr7-98606160-G-A.
Other names: c.10872G>A, p.Ala3624= (NM_001244580.2); c.10785G>A, p.Ala3595= (NM_003496.4).
Identifiers: ClinVar variation 2716456 (VCV002716456.8), dbSNP rs150714283, ClinGen allele CA4362025.

ClinVar aggregate classification (germline): Likely benign. Review status: criteria provided, multiple submitters, no conflicts (2 of 4 stars). 3 submissions from 3 submitters: Likely benign (3). Last evaluated 2026-01-01.

Allele frequency attached by ClinVar (database versions not stated): ESP Exome Variant Server 0.00008; ExAC 0.00017; gnomAD 0.00019; gnomAD exomes 0.00025; 1000 Genomes Project 30x 0.00078; 1000 Genomes Project 0.00100.
gnomAD v4.1: 390 of 1,613,790 alleles (0.024%); highest among the groups gnomAD compares: East Asian, 0.63%; 3 homozygotes.

Submissions (3):

CeGaT Center for Human Genetics Tuebingen
Classification: Likely benign. Last evaluated: 2026-01-01. Review status: criteria provided, single submitter. Criteria: CeGaT Center For Human Genetics Tuebingen Variant Classification Criteria Version 2. Collection method: clinical testing. Allele origin: germline. Affected: yes. Observed: 1 variant allele.
Comment: TRRAP: BP4, BP7, BS1

Labcorp Genetics (formerly Invitae), Labcorp
Classification: Likely benign. Last evaluated: 2025-05-04. Review status: criteria provided, single submitter. Criteria: Invitae Variant Classification Sherloc (09022015). Collection method: clinical testing. Allele origin: germline.

Blueprint Genetics
Classification: Likely benign. Last evaluated: 2024-08-28. Review status: criteria provided, single submitter. Criteria: ACMG Guidelines, 2015. Collection method: clinical testing. Allele origin: germline.